The following is an entry in ClinVar:

NM_002661.5(PLCG2):c.3343C>G (p.Pro1115Ala)

Gene: PLCG2 (phospholipase C gamma 2; plus strand). Cytogenetic location: 16q23.3.
Variant type: single nucleotide variant.
Coding change: c.3343C>G on transcript NM_002661.5 (MANE Select); coding-DNA position 3343, C replaced by G.
Protein change: p.Pro1115Ala; replaces proline 1115 with alanine.
Molecular consequence: missense variant.
Genome position (GRCh38, 1-based): chr16:81,939,921, C>G. VCF-style: chr16-81939921-C-G. GRCh37 (hg19) VCF-style: chr16-81973526-C-G.
Other names: short protein forms P1115A.
Identifiers: ClinVar variation 1377979 (VCV001377979.6), dbSNP rs372606303, ClinGen allele CA8194694.

ClinVar aggregate classification (germline): Uncertain significance (1 of 4 stars; one submission).

Conditions:
Familial cold autoinflammatory syndrome 3 (FCAS3). Also called: ANTIBODY DEFICIENCY AND IMMUNE DYSREGULATION, PLCG2-ASSOCIATED; FAMILIAL ATYPICAL COLD URTICARIA. Identifiers: Orphanet 300359, MedGen C3280914, MONDO:0013766, OMIM 614468.

gnomAD v4.1: 2 of 1,614,022 alleles (0.00012%); highest among the groups gnomAD compares: Non-Finnish European, 0.00017%; no homozygotes.

Submission:

Labcorp Genetics (formerly Invitae), Labcorp
Classification: Uncertain significance for Familial cold autoinflammatory syndrome 3. Last evaluated: 2022-07-19. Review status: criteria provided, single submitter. Criteria: Invitae Variant Classification Sherloc (09022015). Collection method: clinical testing. Allele origin: germline.
Comment: In summary, the available evidence is currently insufficient to determine the role of this variant in disease. Therefore, it has been classified as a Variant of Uncertain Significance. Algorithms developed to predict the effect of missense changes on protein structure and function output the following: SIFT: "Tolerated"; PolyPhen-2: "Benign"; Align-GVGD: "Class C0". The alanine amino acid residue is found in multiple mammalian species, which suggests that this missense change does not adversely affect protein function. ClinVar contains an entry for this variant (Variation ID: 1377979). This variant has not been reported in the literature in individuals affected with PLCG2-related conditions. This variant is present in population databases (rs372606303, gnomAD 0.0009%). This sequence change replaces proline, which is neutral and non-polar, with alanine, which is neutral and non-polar, at codon 1115 of the PLCG2 protein (p.Pro1115Ala).